The following is an entry in ClinVar:

NM_003179.3(SYP):c.31A>C (p.Asn11His)

Genes: SYP (synaptophysin; minus strand), SYP-AS1 (SYP antisense RNA 1; plus strand), LOC130068281 (ATAC-STARR-seq lymphoblastoid silent region 20843; plus strand). Cytogenetic location: Xp11.23.
Variant type: single nucleotide variant.
Coding change: c.31A>C on transcript NM_003179.3 (MANE Select); coding-DNA position 31, A replaced by C.
Protein change: p.Asn11His; replaces asparagine 11 with histidine.
Molecular consequence: missense variant.
Genome position (GRCh38, 1-based): chrX:49,200,156, T>G on the plus strand (A>C on the coding strand, the complement: SYP is on the minus strand). VCF-style: chrX-49200156-T-G. GRCh37 (hg19) VCF-style: chrX-49056615-T-G.
Other names: p.Asn11His; short protein forms N11H.
Identifiers: ClinVar variation 2683588 (VCV002683588.1), dbSNP rs1557103805, ClinGen allele CA412954933.

ClinVar aggregate classification (germline): Uncertain significance (1 of 4 stars; one submission).

gnomAD v4.1: 1 of 1,165,438 alleles (0.000086%); highest among the groups gnomAD compares: African/African-American, 0.0018%; no homozygotes.

Submission:

Mayo Clinic Laboratories, Mayo Clinic
Classification: Uncertain significance. Last evaluated: 2021-11-29. Review status: criteria provided, single submitter. Criteria: ACMG Guidelines, 2015. Collection method: clinical testing. Allele origin: germline. Observed: 1 variant allele.
Comment: BP4, PM2